The following is an entry in ClinVar:

ClinVar aggregate classification (germline): Benign/Likely benign. Review status: criteria provided, multiple submitters, no conflicts (2 of 4 stars). 6 submissions from 6 submitters: Benign (2); Likely benign (3). 1 of the submissions does not count toward it. Last evaluated 2026-06-01.

Conditions:
Familial thoracic aortic aneurysm and aortic dissection (TAAD). Also called: Thoracic aortic aneurysms and dissections. Identifiers: Orphanet 91387, MedGen C4707243, MONDO:0019625.
Congenital contractural arachnodactyly (CCA). Also called: Beals-Hecht syndrome; BEALS SYNDROME; Arthrogryposis, distal, type 9. Identifiers: Orphanet 115, MedGen C0220668, MONDO:0007363, OMIM 121050.
FBN2-related disorder. Also called: FBN2-related condition.

Allele frequency attached by ClinVar (database versions not stated): gnomAD exomes 0.00012; ExAC 0.00018; TOPMed 0.00033; gnomAD 0.00036 and 0.00038; ESP Exome Variant Server 0.00054; 1000 Genomes Project 0.00120; 1000 Genomes Project 30x 0.00141.
gnomAD v4.1: 110 of 1,614,170 alleles (0.0068%); highest among the groups gnomAD compares: African/African-American, 0.14%; no homozygotes.

Submissions (6):

CeGaT Center for Human Genetics Tuebingen
Classification: Likely benign. Last evaluated: 2026-06-01. Review status: criteria provided, single submitter. Criteria: CeGaT Center For Human Genetics Tuebingen Variant Classification Criteria Version 2. Collection method: clinical testing. Allele origin: germline. Affected: yes. Observed: 1 variant allele.
Comment: FBN2: BP4, BP7, BS1

Labcorp Genetics (formerly Invitae), Labcorp
Classification: Benign for Congenital contractural arachnodactyly. Last evaluated: 2025-11-09. Review status: criteria provided, single submitter. Criteria: Invitae Variant Classification Sherloc (09022015). Collection method: clinical testing. Allele origin: germline.

GeneDx
Classification: Likely benign. Last evaluated: 2020-12-17. Review status: criteria provided, single submitter. Criteria: GeneDx Variant Classification Process June 2021. Collection method: clinical testing. Allele origin: germline. Affected: yes.

Illumina Laboratory Services, Illumina
Classification: Benign for Congenital contractural arachnodactyly. Last evaluated: 2018-01-13. Review status: criteria provided, single submitter. Criteria: ICSL Variant Classification Criteria 13 December 2019. Collection method: clinical testing. Allele origin: germline.
Comment: This variant was observed in the ICSL laboratory as part of a predisposition screen in an ostensibly healthy population. It had not been previously curated by ICSL or reported in the Human Gene Mutation Database (HGMD: prior to June 1st, 2018), and was therefore a candidate for classification through an automated scoring system. Utilizing variant allele frequency, disease prevalence and penetrance estimates, and inheritance mode, an automated score was calculated to assess if this variant is too frequent to cause the disease. Based on the score and internal cut-off values, a variant classified as benign is not then subjected to further curation. The score for this variant resulted in a classification of benign for this disease.

Ambry Genetics
Classification: Likely benign for Familial thoracic aortic aneurysm and aortic dissection. Last evaluated: 2017-04-06. Review status: criteria provided, single submitter. Criteria: Ambry Variant Classification Scheme 2023. Collection method: clinical testing. Allele origin: germline.

PreventionGenetics, part of Exact Sciences
Classification: Likely benign for FBN2-related condition. Last evaluated: 2022-05-11. Review status: no assertion criteria provided. Collection method: clinical testing. Allele origin: germline. Not counted in ClinVar's aggregate classification.
Comment: This variant is classified as likely benign based on ACMG/AMP sequence variant interpretation guidelines (Richards et al. 2015 PMID: 25741868, with internal and published modifications).

NM_001999.4(FBN2):c.7263G>A (p.Gln2421=)

Gene: FBN2 (fibrillin 2; minus strand). Cytogenetic location: 5q23.3.
Variant type: single nucleotide variant.
Coding change: c.7263G>A on transcript NM_001999.4 (MANE Select); coding-DNA position 7263, G replaced by A.
Protein change: p.Gln2421=; no amino-acid change (glutamine 2421 retained).
Molecular consequence: synonymous variant.
Genome position (GRCh38, 1-based): chr5:128,278,717, C>T on the plus strand (G>A on the coding strand, the complement: FBN2 is on the minus strand). VCF-style: chr5-128278717-C-T. GRCh37 (hg19) VCF-style: chr5-127614409-C-T.
Identifiers: ClinVar variation 350763 (VCV000350763.23), dbSNP rs114376818, ClinGen allele CA3394169.